The following is an entry in ClinVar:

ClinVar aggregate classification (germline): Uncertain significance (1 of 4 stars; one submission).

Conditions:
Werner syndrome (WRN). Identifiers: Orphanet 902, MedGen C0043119, MONDO:0010196, OMIM 277700.

Allele frequency attached by ClinVar (database versions not stated): gnomAD 0.00001; gnomAD exomes 0.00001 and 0.00002; ExAC 0.00002.
gnomAD v4.1: 23 of 1,613,974 alleles (0.0014%); highest among the groups gnomAD compares: East Asian, 0.051%; no homozygotes.

Submission:

Labcorp Genetics (formerly Invitae), Labcorp
Classification: Uncertain significance for Werner syndrome. Last evaluated: 2024-09-06. Review status: criteria provided, single submitter. Criteria: Invitae Variant Classification Sherloc (09022015). Collection method: clinical testing. Allele origin: germline.
Comment: This sequence change replaces asparagine, which is neutral and polar, with histidine, which is basic and polar, at codon 365 of the WRN protein (p.Asn365His). This variant is present in population databases (rs749035826, gnomAD 0.01%). This variant has not been reported in the literature in individuals affected with WRN-related conditions. ClinVar contains an entry for this variant (Variation ID: 1491560). An algorithm developed to predict the effect of missense changes on protein structure and function (PolyPhen-2) suggests that this variant is likely to be disruptive. In summary, the available evidence is currently insufficient to determine the role of this variant in disease. Therefore, it has been classified as a Variant of Uncertain Significance.

NM_000553.6(WRN):c.1093A>C (p.Asn365His)

Gene: WRN (WRN RecQ like helicase; plus strand). Cytogenetic location: 8p12.
Variant type: single nucleotide variant.
Coding change: c.1093A>C on transcript NM_000553.6 (MANE Select); coding-DNA position 1093, A replaced by C.
Protein change: p.Asn365His; replaces asparagine 365 with histidine.
Molecular consequence: missense variant.
Genome position (GRCh38, 1-based): chr8:31,081,120, A>C. VCF-style: chr8-31081120-A-C. GRCh37 (hg19) VCF-style: chr8-30938636-A-C.
Other names: short protein forms N365H.
Identifiers: ClinVar variation 1491560 (VCV001491560.8), dbSNP rs749035826, ClinGen allele CA4704250.